The following is an entry in ClinVar:

ClinVar aggregate classification (germline): Uncertain significance (1 of 4 stars; one submission).

gnomAD v4.1: 3 of 1,211,460 alleles (0.00025%); highest among the groups gnomAD compares: Non-Finnish European, 0.00034%; no homozygotes.

Submission:

Women's Health and Genetics/Laboratory Corporation of America, LabCorp
Classification: Uncertain significance. Last evaluated: 2025-07-07. Review status: criteria provided, single submitter. Criteria: LabCorp Variant Classification Summary - May 2015. Collection method: clinical testing. Allele origin: germline.
Comment: Variant summary: OTC c.739A>G (p.Thr247Ala) results in a non-conservative amino acid change in the encoded protein sequence. Algorithms developed to predict the effect of missense changes on protein structure and function all suggest that this variant is likely to be disruptive. The variant was absent in 183225 control chromosomes. The available data on variant occurrences in the general population are insufficient to allow any conclusion about variant significance. To our knowledge, no occurrence of c.739A>G in individuals affected with Ornithine Transcarbamylase Deficiency and no experimental evidence demonstrating its impact on protein function have been reported. No submitters have cited clinical-significance assessments for this variant to ClinVar. Based on the evidence outlined above, the variant was classified as uncertain significance.

NM_000531.6(OTC):c.739A>G (p.Thr247Ala)

Gene: OTC (ornithine transcarbamylase; plus strand). Cytogenetic location: Xp11.4.
Variant type: single nucleotide variant.
Coding change: c.739A>G on transcript NM_000531.6 (MANE Select); coding-DNA position 739, A replaced by G.
Protein change: p.Thr247Ala; replaces threonine 247 with alanine.
Molecular consequence: missense variant.
Genome position (GRCh38, 1-based): chrX:38,408,897, A>G. VCF-style: chrX-38408897-A-G. GRCh37 (hg19) VCF-style: chrX-38268150-A-G.
Other names: c.739A>G, p.Thr247Ala (NM_001407092.1); short protein forms T247A.
Identifiers: ClinVar variation 4526111 (VCV004526111.1).